The following is an entry in ClinVar:

NM_001367624.2(ZNF469):c.11464G>A (p.Val3822Ile)

Gene: ZNF469 (zinc finger protein 469; plus strand). Cytogenetic location: 16q24.2.
Variant type: single nucleotide variant.
Coding change: c.11464G>A on transcript NM_001367624.2 (MANE Select); coding-DNA position 11464, G replaced by A.
Protein change: p.Val3822Ile; replaces valine 3822 with isoleucine.
Molecular consequence: missense variant.
Genome position (GRCh38, 1-based): chr16:88,438,934, G>A. VCF-style: chr16-88438934-G-A. GRCh37 (hg19) VCF-style: chr16-88505342-G-A.
Other names: NM_001127464.1:c.11380G>A; short protein forms V3822I.
Identifiers: ClinVar variation 1423180 (VCV001423180.9), dbSNP rs950210847, ClinGen allele CA286388099.
Genomic context (GRCh38, chr16:88,438,934, plus strand): 5'-CACGGGAGCCTAGGTCCCAAGGAGAAGGGAGAGAGCAGTACGAAGAGGAAAAAGGGCCAG[G>A]TCCCAGGGCCAGCCAGGAGTGAAAGTGTGGGGAGCTTCGGGAGAGCCCCCTCAGCCCCTG-3'
Protein context (NP_001354553.1, residues 3812-3832): ESSTKRKKGQ[Val3822Ile]PGPARSESVG

ClinVar aggregate classification (germline): Uncertain significance. Review status: criteria provided, multiple submitters, no conflicts (2 of 4 stars). 4 submissions from 4 submitters: Uncertain significance (4). Last evaluated 2025-10-23.

Conditions:
Cardiovascular phenotype. Identifiers: MedGen CN230736.

Allele frequency attached by ClinVar (database versions not stated): gnomAD 0.00005 and 0.00006; gnomAD exomes 0.00005 and 0.00009; TOPMed 0.00008.
gnomAD v4.1: 132 of 1,550,452 alleles (0.0085%); highest among the groups gnomAD compares: Non-Finnish European, 0.011%; no homozygotes.

Submissions (4):

Women's Health and Genetics/Laboratory Corporation of America, LabCorp
Classification: Uncertain significance. Last evaluated: 2025-10-23. Review status: criteria provided, single submitter. Criteria: LabCorp Variant Classification Summary - May 2015. Collection method: clinical testing. Allele origin: germline.
Comment: Variant summary: ZNF469 c.11464G>A (p.Val3822Ile) results in a conservative amino acid change in the encoded protein sequence. Algorithms developed to predict the effect of missense changes on protein structure and function are either unavailable or do not agree on the potential impact of this missense change. The variant allele was found at a frequency of 4.5e-05 in 153870 control chromosomes. The available data on variant occurrences in the general population are insufficient to allow any conclusion about variant significance. To our knowledge, no occurrence of c.11464G>A in individuals affected with ZNF469-related conditions and no experimental evidence demonstrating its impact on protein function have been reported. ClinVar contains an entry for this variant (Variation ID: 1423180). Based on the evidence outlined above, the variant was classified as uncertain significance.

Ambry Genetics
Classification: Uncertain significance for Cardiovascular phenotype. Last evaluated: 2025-04-24. Review status: criteria provided, single submitter. Criteria: Ambry Variant Classification Scheme 2023. Collection method: clinical testing. Allele origin: germline.

GeneDx
Classification: Uncertain significance. Last evaluated: 2022-10-10. Review status: criteria provided, single submitter. Criteria: GeneDx Variant Classification Process June 2021. Collection method: clinical testing. Allele origin: germline. Affected: yes.
Comment: Not observed at significant frequency in large population cohorts (gnomAD); In silico analysis supports that this missense variant does not alter protein structure/function; Has not been previously published as pathogenic or benign to our knowledge

Labcorp Genetics (formerly Invitae), Labcorp
Classification: Uncertain significance. Last evaluated: 2022-07-08. Review status: criteria provided, single submitter. Criteria: Invitae Variant Classification Sherloc (09022015). Collection method: clinical testing. Allele origin: germline.
Comment: This sequence change replaces valine, which is neutral and non-polar, with isoleucine, which is neutral and non-polar, at codon 3794 of the ZNF469 protein (p.Val3794Ile). This variant is present in population databases (no rsID available, gnomAD 0.01%). This variant has not been reported in the literature in individuals affected with ZNF469-related conditions. ClinVar contains an entry for this variant (Variation ID: 1423180). Algorithms developed to predict the effect of missense changes on protein structure and function (SIFT, PolyPhen-2, Align-GVGD) all suggest that this variant is likely to be tolerated. In summary, the available evidence is currently insufficient to determine the role of this variant in disease. Therefore, it has been classified as a Variant of Uncertain Significance.